The following is an entry in ClinVar:

ClinVar aggregate classification (germline): Uncertain significance. Review status: criteria provided, multiple submitters, no conflicts (2 of 4 stars). 2 submissions from 2 submitters: Uncertain significance (2). Last evaluated 2024-05-29.

Conditions:
Hereditary cancer-predisposing syndrome. Also called: Hereditary neoplastic syndrome; Neoplastic Syndromes, Hereditary; Hereditary Cancer Syndrome; Tumor predisposition. Identifiers: Orphanet 140162, MedGen C0027672, MeSH D009386, MONDO:0015356.
Microcephaly, normal intelligence and immunodeficiency (NBS). Also called: Ataxia telangiectasia variant V1; IMMUNODEFICIENCY, MICROCEPHALY, AND CHROMOSOMAL INSTABILITY; Immunodeficiency, microcephaly with normal intelligence; BERLIN BREAKAGE SYNDROME; SEEMANOVA SYNDROME II; Nijmegen breakage syndrome. Identifiers: Orphanet 647, MedGen C0398791, MONDO:0009623, OMIM 251260.

gnomAD v4.1: 1 of 1,613,124 alleles (0.000062%); no homozygotes.

Submissions (2):

Ambry Genetics
Classification: Uncertain significance for Hereditary cancer-predisposing syndrome. Last evaluated: 2024-05-29. Review status: criteria provided, single submitter. Criteria: Ambry Variant Classification Scheme 2023. Collection method: clinical testing. Allele origin: germline.
Comment: The p.P10S variant (also known as c.28C>T), located in coding exon 1 of the NBN gene, results from a C to T substitution at nucleotide position 28. The proline at codon 10 is replaced by serine, an amino acid with similar properties. This amino acid position is conserved. In addition, this alteration is predicted to be tolerated by in silico analysis. Based on the available evidence, the clinical significance of this variant remains unclear.

Labcorp Genetics (formerly Invitae), Labcorp
Classification: Uncertain significance for Microcephaly, normal intelligence and immunodeficiency. Last evaluated: 2024-04-05. Review status: criteria provided, single submitter. Criteria: Invitae Variant Classification Sherloc (09022015). Collection method: clinical testing. Allele origin: germline.
Comment: This sequence change replaces proline, which is neutral and non-polar, with serine, which is neutral and polar, at codon 10 of the NBN protein (p.Pro10Ser). This variant is not present in population databases (gnomAD no frequency). This variant has not been reported in the literature in individuals affected with NBN-related conditions. ClinVar contains an entry for this variant (Variation ID: 1172014). Algorithms developed to predict the effect of missense changes on protein structure and function output the following: SIFT: "Not Available"; PolyPhen-2: "Benign"; Align-GVGD: "Not Available". The serine amino acid residue is found in multiple mammalian species, which suggests that this missense change does not adversely affect protein function. In summary, the available evidence is currently insufficient to determine the role of this variant in disease. Therefore, it has been classified as a Variant of Uncertain Significance.

NM_002485.5(NBN):c.28C>T (p.Pro10Ser)

Gene: NBN (nibrin; minus strand). Cytogenetic location: 8q21.3.
Variant type: single nucleotide variant.
Coding change: c.28C>T on transcript NM_002485.5 (MANE Select); coding-DNA position 28, C replaced by T.
Protein change: p.Pro10Ser; replaces proline 10 with serine.
Molecular consequence: missense variant. On other transcripts: 5 prime UTR variant (1).
Genome position (GRCh38, 1-based): chr8:89,984,534, G>A on the plus strand (C>T on the coding strand, the complement: NBN is on the minus strand). VCF-style: chr8-89984534-G-A. GRCh37 (hg19) VCF-style: chr8-90996762-G-A.
Other names: c.-269C>T (NM_001024688.3); short protein forms P10S.
Identifiers: ClinVar variation 1172014 (VCV001172014.7), dbSNP rs758228844, ClinGen allele CA371664153.
Genomic context (GRCh38, chr8:89,984,534, plus strand): 5'-AGGCAGTCGCTACCGGGAAAATAGGCCCCGAGGCTTCCCTTCTGCCCTTACCTCCTGCCG[G>A]GCCCGCGGCGGGCAGCAGTTTCCACATCGGTCCGGCTCCTCAGGGCTGGGGCCGACGTGC-3'
Protein context (NP_002476.2, residues 1-20): MWKLLPAAG[Pro10Ser]AGGEPYRLLT